The following is an entry in ClinVar:

NM_000268.4(NF2):c.973G>A (p.Ala325Thr)

Gene: NF2 (NF2, moesin-ezrin-radixin like (MERLIN) tumor suppressor; plus strand). Cytogenetic location: 22q12.2.
Variant type: single nucleotide variant.
Coding change: c.973G>A on transcript NM_000268.4 (MANE Select); coding-DNA position 973, G replaced by A.
Protein change: p.Ala325Thr; replaces alanine 325 with threonine.
Molecular consequence: missense variant. On other transcripts: non-coding transcript variant (1), intron variant (1).
Genome position (GRCh38, 1-based): chr22:29,668,420, G>A. VCF-style: chr22-29668420-G-A. GRCh37 (hg19) VCF-style: chr22-30064409-G-A.
Other names: c.859G>A, p.Ala287Thr (NM_001407053.1, NM_001407056.1); c.850G>A, p.Ala284Thr (NM_001407054.1, NM_001407058.1, NM_181829.3); c.847G>A, p.Ala283Thr (NM_001407055.1, NM_181828.3); c.838G>A, p.Ala280Thr (NM_001407057.1, NM_001407059.1); c.973G>A, p.Ala325Thr (NM_001407060.1, NM_001407066.1, NM_016418.5 and 2 more transcripts); c.715G>A, p.Ala239Thr (NM_001407062.1); c.724G>A, p.Ala242Thr (NM_001407063.1, NM_001407064.1, NM_181830.3 and 1 more transcripts); c.439G>A, p.Ala147Thr (NM_001407065.1); and 2 more; short protein forms A248T, A283T, A239T, A325T, A147T, A284T, A287T, A242T.
Identifiers: ClinVar variation 3001236 (VCV003001236.3), dbSNP rs1275464115, ClinGen allele CA411146035.
Genomic context (GRCh38, chr22:29,668,420, plus strand): 5'-GATCTATTTATGAGGAGAAGGAAAGCCGATTCTTTGGAAGTTCAGCAGATGAAAGCCCAG[G>A]CCAGGGAGGAGAAGGCTAGAAAGCAGGTGAGCACAACCTTGTTTTAACTGATGATGTCAC-3'
Protein context (NP_000259.1, residues 315-335): SLEVQQMKAQ[Ala325Thr]REEKARKQME

ClinVar aggregate classification (germline): Uncertain significance (1 of 4 stars; one submission).

Conditions:
Neurofibromatosis, type 2 (SWNV). Also called: NF2-Related Schwannomatosis; BILATERAL ACOUSTIC NEUROFIBROMATOSIS; SCHWANNOMATOSIS, VESTIBULAR. Identifiers: Orphanet 637, MedGen C0027832, MONDO:0007039, OMIM 101000. Disease mechanism: loss of function.

Submission:

Labcorp Genetics (formerly Invitae), Labcorp
Classification: Uncertain significance for Neurofibromatosis, type 2. Last evaluated: 2024-01-11. Review status: criteria provided, single submitter. Criteria: Invitae Variant Classification Sherloc (09022015). Collection method: clinical testing. Allele origin: germline.
Comment: This sequence change replaces alanine, which is neutral and non-polar, with threonine, which is neutral and polar, at codon 325 of the NF2 protein (p.Ala325Thr). This variant is not present in population databases (gnomAD no frequency). This variant has not been reported in the literature in individuals affected with NF2-related conditions. Advanced modeling of protein sequence and biophysical properties (such as structural, functional, and spatial information, amino acid conservation, physicochemical variation, residue mobility, and thermodynamic stability) performed at Invitae indicates that this missense variant is expected to disrupt NF2 protein function with a positive predictive value of 80%. In summary, the available evidence is currently insufficient to determine the role of this variant in disease. Therefore, it has been classified as a Variant of Uncertain Significance.